The following is an entry in ClinVar:

NM_033159.4(HYAL1):c.104T>A (p.Val35Asp)

Gene: HYAL1 (hyaluronidase 1; minus strand). Cytogenetic location: 3p21.31.
Variant type: single nucleotide variant.
Coding change: c.104T>A on transcript NM_033159.4 (MANE Select); coding-DNA position 104, T replaced by A.
Protein change: p.Val35Asp; replaces valine 35 with aspartic acid.
Molecular consequence: missense variant. On other transcripts: non-coding transcript variant (1), intron variant (2).
Genome position (GRCh38, 1-based): chr3:50,302,853, A>T on the plus strand (T>A on the coding strand, the complement: HYAL1 is on the minus strand). VCF-style: chr3-50302853-A-T. GRCh37 (hg19) VCF-style: chr3-50340284-A-T.
Other names: c.104T>A, p.Val35Asp (NM_007312.3, NM_153281.2, NM_153282.3); c.-27+613T>A (NM_153285.3); c.-213-230T>A (NM_153283.3); short protein forms V35D.
Identifiers: ClinVar variation 2107847 (VCV002107847.4), dbSNP rs2470852778, ClinGen allele CA352897496.

ClinVar aggregate classification (germline): Uncertain significance (1 of 4 stars; one submission).

Conditions:
Deficiency of hyaluronoglucosaminidase (MPS9). Also called: HYALURONIDASE DEFICIENCY; MPS IX; Mucopolysaccharidosis type 9. Identifiers: Orphanet 67041, MedGen C1291490, MONDO:0011093, OMIM 601492.

Submission:

Labcorp Genetics (formerly Invitae), Labcorp
Classification: Uncertain significance for Deficiency of hyaluronoglucosaminidase. Last evaluated: 2024-02-24. Review status: criteria provided, single submitter. Criteria: Invitae Variant Classification Sherloc (09022015). Collection method: clinical testing. Allele origin: germline.
Comment: This sequence change replaces valine, which is neutral and non-polar, with aspartic acid, which is acidic and polar, at codon 35 of the HYAL1 protein (p.Val35Asp). This variant is not present in population databases (gnomAD no frequency). This variant has not been reported in the literature in individuals affected with HYAL1-related conditions. ClinVar contains an entry for this variant (Variation ID: 2107847). An algorithm developed to predict the effect of missense changes on protein structure and function (PolyPhen-2) suggests that this variant is likely to be disruptive. In summary, the available evidence is currently insufficient to determine the role of this variant in disease. Therefore, it has been classified as a Variant of Uncertain Significance.